The following is an entry in ClinVar:

NM_001048174.2(MUTYH):c.421-2A>C

Gene: MUTYH (mutY DNA glycosylase; minus strand). Cytogenetic location: 1p34.1.
Variant type: single nucleotide variant.
Coding change: c.421-2A>C on transcript NM_001048174.2 (MANE Select); the canonical splice acceptor site of the intron before coding-DNA position 421, A replaced by C.
Molecular consequence: splice acceptor variant.
Genome position (GRCh38, 1-based): chr1:45,332,836, T>G on the plus strand (A>C on the coding strand, the complement: MUTYH is on the minus strand). VCF-style: chr1-45332836-T-G. GRCh37 (hg19) VCF-style: chr1-45798508-T-G.
Other names: c.421-2A>C (NM_001407072.1, NM_001407073.1, NM_001048171.2 and 6 more transcripts); c.76-2A>C (NM_001350651.2, NM_001350650.2, NM_001407082.1); c.145-2A>C (NM_001293192.2, NM_001293196.2, NM_001407091.1); c.466-2A>C (NM_001293190.2); c.454-2A>C (NM_001407069.1, NM_001407077.1, NM_001293191.2); c.496-2A>C (NM_012222.3); c.505-2A>C (NM_001128425.2); c.424-2A>C (NM_001407071.1, NM_001048172.2, NM_001407078.1 and 1 more transcripts); and 5 more.
Identifiers: ClinVar variation 186709 (VCV000186709.25), dbSNP rs786203161, ClinGen allele CA013693.

ClinVar aggregate classification (germline): Likely pathogenic. Review status: criteria provided, multiple submitters, no conflicts (2 of 4 stars). 8 submissions from 8 submitters: Likely pathogenic (8). Last evaluated 2025-08-05.

Conditions:
Hereditary cancer-predisposing syndrome. Also called: Neoplastic Syndromes, Hereditary; Tumor predisposition; Hereditary Cancer Syndrome; Hereditary neoplastic syndrome. Identifiers: Orphanet 140162, MedGen C0027672, MeSH D009386, MONDO:0015356.
Familial adenomatous polyposis 2. Also called: Adenomas, multiple colorectal; COLORECTAL ADENOMATOUS POLYPOSIS, AUTOSOMAL RECESSIVE; ADENOMAS, MULTIPLE COLORECTAL, AUTOSOMAL RECESSIVE; MYH-associated polyposis; MUTYH Polyposis; FAP type 2. Identifiers: Orphanet 220460, Orphanet 247798, MedGen C3272841, MONDO:0012041, OMIM 608456.

Allele frequency attached by ClinVar (database versions not stated): gnomAD 0.00003 and 0.00004; gnomAD exomes below 0.00001; TOPMed 0.00002.

Submissions (8):

Ambry Genetics
Classification: Likely pathogenic for Hereditary cancer-predisposing syndrome. Last evaluated: 2025-08-05. Review status: criteria provided, single submitter. Criteria: Ambry Variant Classification Scheme 2023. Collection method: clinical testing. Allele origin: germline.
Comment: The c.505-2A>C intronic variant results from an A to C substitution two nucleotides upstream from coding exon 7 in the MUTYH gene. This nucleotide position is highly conserved in available vertebrate species. In silico splice site analysis predicts that this alteration will weaken the native splice acceptor site and will result in the creation or strengthening of a novel splice acceptor site; however, direct evidence is insufficient at this time (Ambry internal data). Alterations that disrupt the canonical splice site are expected to cause aberrant splicing, resulting in an abnormal protein or a transcript that is subject to nonsense-mediated mRNA decay. As such, this alteration is classified as likely pathogenic.

Color Diagnostics, LLC DBA Color Health
Classification: Likely pathogenic for Hereditary cancer-predisposing syndrome. Last evaluated: 2025-06-30. Review status: criteria provided, single submitter. Criteria: ACMG Guidelines, 2015. Collection method: clinical testing. Allele origin: germline.
Comment: This variant causes an A to C nucleotide substitution at the -2 position of intron 6 of the MUTYH gene. This variant is also known as c.421-2A>C and c.463-2A>C in the literature based on different reference transcripts. Splice site prediction tools predict that this variant may have a significant impact on RNA splicing. To our knowledge, RNA studies have not been reported for this variant. This variant has been reported in an individual affected with breast cancer (PMID: 38060977). This variant has been identified in 2/282836 chromosomes in the general population by the Genome Aggregation Database (gnomAD). A different variant with similar predicted effect at this splice acceptor site has been observed in an individual with a pathogenic covariant and affected with early-onset attenuated polyposis (PMID: 16557584, 19032956). Loss of MUTYH function is a known mechanism of disease. Based on the available evidence, this variant is classified as Likely Pathogenic.

Quest Diagnostics Nichols Institute San Juan Capistrano
Classification: Likely pathogenic. Last evaluated: 2025-05-23. Review status: criteria provided, single submitter. Criteria: Quest Diagnostics criteria. Collection method: clinical testing. Allele origin: unknown.
Comment: The MUTYH c.505-2A>C variant disrupts a canonical splice-acceptor site and is predicted to interfere with normal MUTYH mRNA splicing. This variant results in an in-frame skipping of exon 7 and other variants affecting the same canonical splice-acceptor site at c.505 (c.505-1G>A, c.505-2A>G) have been described as Likely pathogenic (ClinVar. In the published literature, this variant has been reported in an individual with breast cancer (PMID: 38060977 (2023)). A similar variant, c.505-1G>C (aka c.421-1G>C and c.463-1G>C) affecting the same splice-acceptor site at c.505 has been reported along with another pathogenic MUTYH variant in an individual with attenuated polyposis (PMID: 16557584 (2006)). The frequency of this variant in the general population (Genome Aggregation Database) is uninformative in the assessment of its pathogenicity. Based on the available information, this variant is classified as likely pathogenic.

Center for Genomic Medicine, Rigshospitalet, Copenhagen University Hospital
Classification: Likely pathogenic. Last evaluated: 2025-03-04. Review status: criteria provided, single submitter. Criteria: ACMG Guidelines, 2015. Collection method: clinical testing. Allele origin: germline.

Labcorp Genetics (formerly Invitae), Labcorp
Classification: Likely pathogenic for Familial adenomatous polyposis 2. Last evaluated: 2025-02-10. Review status: criteria provided, single submitter. Criteria: Invitae Variant Classification Sherloc (09022015). Collection method: clinical testing. Allele origin: germline.
Comment: This sequence change affects an acceptor splice site in intron 6 of the MUTYH gene. It is expected to disrupt RNA splicing. Variants that disrupt the donor or acceptor splice site typically lead to a loss of protein function (PMID: 16199547), and loss-of-function variants in MUTYH are known to be pathogenic (PMID: 18534194, 20663686). This variant is present in population databases (rs786203161, gnomAD 0.004%). This variant has not been reported in the literature in individuals affected with MUTYH-related conditions. ClinVar contains an entry for this variant (Variation ID: 186709). Studies have shown that disruption of this splice site is associated with inconclusive levels of altered splicing (internal data). In summary, the currently available evidence indicates that the variant is pathogenic, but additional data are needed to prove that conclusively. Therefore, this variant has been classified as Likely Pathogenic.

Baylor Genetics
Classification: Likely pathogenic for Familial adenomatous polyposis 2. Last evaluated: 2024-02-02. Review status: criteria provided, single submitter. Criteria: ACMG Guidelines, 2015. Collection method: clinical testing. Allele origin: unknown.

GeneDx
Classification: Likely pathogenic. Last evaluated: 2023-05-15. Review status: criteria provided, single submitter. Criteria: GeneDx Variant Classification Process June 2021. Collection method: clinical testing. Allele origin: germline. Affected: yes.
Comment: Canonical splice site variant predicted to result in an in-frame loss of the adjacent exon in a gene for which loss of function is a known mechanism of disease; Not observed at significant frequency in large population cohorts (gnomAD); Has not been previously published as pathogenic or benign to our knowledge; This variant is associated with the following publications: (PMID: 23108399)

Mendelics
Classification: Likely pathogenic for MYH-associated polyposis. Last evaluated: 2018-07-02. Review status: criteria provided, single submitter. Criteria: Mendelics Assertion Criteria 2017. Collection method: clinical testing. Allele origin: unknown.

Literature cited by the submitters: PubMed 16557584 (cited by Color Diagnostics, LLC DBA Color Health); PubMed 19032956 (cited by Color Diagnostics, LLC DBA Color Health); PubMed 38060977 (cited by Color Diagnostics, LLC DBA Color Health and Quest Diagnostics Nichols Institute San Juan Capistrano); PubMed 25525159 (cited by Center for Genomic Medicine, Rigshospitalet, Copenhagen University Hospital); PubMed 16199547 (cited by Labcorp Genetics (formerly Invitae), Labcorp); PubMed 18534194 (cited by Labcorp Genetics (formerly Invitae), Labcorp); PubMed 20663686 (cited by Labcorp Genetics (formerly Invitae), Labcorp).